The following is an entry in ClinVar:

ClinVar aggregate classification (germline): Pathogenic (1 of 4 stars; one submission).

Submission:

Labcorp Genetics (formerly Invitae), Labcorp
Classification: Pathogenic. Last evaluated: 2022-11-08. Review status: criteria provided, single submitter. Criteria: Invitae Variant Classification Sherloc (09022015). Collection method: clinical testing. Allele origin: germline.
Comment: For these reasons, this variant has been classified as Pathogenic. This premature translational stop signal has been observed in individual(s) with PHEX-related conditions (PMID: 32253725). This variant is not present in population databases (gnomAD no frequency). This sequence change creates a premature translational stop signal (p.Trp530Cysfs*40) in the PHEX gene. It is expected to result in an absent or disrupted protein product. Loss-of-function variants in PHEX are known to be pathogenic (PMID: 9097956, 9106524, 19219621).

Literature cited by the submitters: PubMed 32253725; PubMed 9097956; PubMed 9106524; PubMed 19219621.

NM_000444.6(PHEX):c.1590del (p.Trp530fs)

Gene: PHEX (phosphate regulating endopeptidase X-linked; plus strand). Cytogenetic location: Xp22.11.
Variant type: Deletion.
Coding change: c.1590del on transcript NM_000444.6 (MANE Select); coding-DNA position 1590, one base deleted (G; older notation c.1590delG).
Protein change: p.Trp530fs; shifts the reading frame from tryptophan 530.
Molecular consequence: frameshift variant.
Genome position (GRCh38, 1-based): chrX:22,190,447, G deleted; the last of 2 consecutive G bases (chrX:22,190,446-22,190,447); deleting either gives the same sequence. VCF-style (leftmost placement, unchanged base first): chrX-22190445-TG-T. GRCh37 (hg19) VCF-style: chrX-22208562-TG-T.
Other names: c.1590del, p.Trp530fs (NM_001282754.2); short protein forms W530fs.
Identifiers: ClinVar variation 2982437 (VCV002982437.3), dbSNP rs2518621642, ClinGen allele CA2695233017.
Genomic context (GRCh38, chrX:22,190,445, plus strand): 5'-GCTTCCCTCCTGCCTGTATAATGATGATTGCTCTCTGGCATTTGTTTCTTTTTCTACAGG[TG>T]GTTTACAAATCCGACGACTGTCAATGCCTTCTACAGTGCATCCACCAACCAGATCCGTGA-3'